The following is an entry in ClinVar:

ClinVar aggregate classification (germline): Uncertain significance (1 of 4 stars; one submission).

Conditions:
Atrial fibrillation, familial, 7 (ATFB7). Identifiers: MedGen C2677106, MONDO:0012828, OMIM 612240.

Submission:

Labcorp Genetics (formerly Invitae), Labcorp
Classification: Uncertain significance for Atrial fibrillation, familial, 7. Last evaluated: 2024-07-27. Review status: criteria provided, single submitter. Criteria: Invitae Variant Classification Sherloc (09022015). Collection method: clinical testing. Allele origin: germline.
Comment: This sequence change affects codon 374 of the KCNA5 mRNA. It is a 'silent' change, meaning that it does not change the encoded amino acid sequence of the KCNA5 protein. This variant is present in population databases (rs773263730, gnomAD 0.01%). This variant has not been reported in the literature in individuals affected with KCNA5-related conditions. In summary, the available evidence is currently insufficient to determine the role of this variant in disease. Therefore, it has been classified as a Variant of Uncertain Significance.

NM_002234.4(KCNA5):c.1122C>G (p.Thr374=)

Gene: KCNA5 (potassium voltage-gated channel subfamily A member 5; plus strand). Cytogenetic location: 12p13.32.
Variant type: single nucleotide variant.
Coding change: c.1122C>G on transcript NM_002234.4 (MANE Select); coding-DNA position 1122, C replaced by G.
Protein change: p.Thr374=; no amino-acid change (threonine 374 retained).
Molecular consequence: synonymous variant.
Genome position (GRCh38, 1-based): chr12:5,045,269, C>G. VCF-style: chr12-5045269-C-G. GRCh37 (hg19) VCF-style: chr12-5154435-C-G.
Identifiers: ClinVar variation 3665893 (VCV003665893.2).
Genomic context (GRCh38, chr12:5,045,269, plus strand): 5'-GAACATCATGAACATCATCGATGTGGTGGCCATCTTCCCCTACTTCATCACCCTGGGCAC[C>G]GAACTGGCAGAGCAGCAGCCAGGGGGTGGAGGAGGCGGCCAGAATGGGCAGCAGGCCATG-3'
Protein context (NP_002225.2, residues 364-384): AIFPYFITLG[Thr374=]ELAEQQPGGG